The following is an entry in ClinVar:

NM_013266.4(CTNNA3):c.1898T>C (p.Leu633Pro)

Genes: CTNNA3 (catenin alpha 3; minus strand), CTNNA3-AS1 (CTNNA3 antisense RNA 1; plus strand). Cytogenetic location: 10q21.3.
Variant type: single nucleotide variant.
Coding change: c.1898T>C on transcript NM_013266.4 (MANE Select); coding-DNA position 1898, T replaced by C.
Protein change: p.Leu633Pro; replaces leucine 633 with proline.
Molecular consequence: missense variant.
Genome position (GRCh38, 1-based): chr10:66,103,236, A>G on the plus strand (T>C on the coding strand, the complement: CTNNA3 is on the minus strand). VCF-style: chr10-66103236-A-G. GRCh37 (hg19) VCF-style: chr10-67862994-A-G.
Other names: c.1898T>C, p.Leu633Pro (NM_001127384.3); short protein forms L633P.
Identifiers: ClinVar variation 4709791 (VCV004709791.1).

ClinVar aggregate classification (germline): Uncertain significance (1 of 4 stars; one submission).

Conditions:
Arrhythmogenic right ventricular dysplasia 13. Also called: Arrhythmogenic right ventricular dysplasia, familial, 13; ARRHYTHMOGENIC RIGHT VENTRICULAR CARDIOMYOPATHY 13. Identifiers: MedGen C3810138, MONDO:0000908, OMIM 615616.

gnomAD v4.1: 10 of 1,613,760 alleles (0.00062%); highest among the groups gnomAD compares: Admixed American, 0.0033%; no homozygotes.

Submission:

Labcorp Genetics (formerly Invitae), Labcorp
Classification: Uncertain significance for Arrhythmogenic right ventricular dysplasia 13. Last evaluated: 2025-06-15. Review status: criteria provided, single submitter. Criteria: Invitae Variant Classification Sherloc (09022015). Collection method: clinical testing. Allele origin: germline.
Comment: This sequence change replaces leucine, which is neutral and non-polar, with proline, which is neutral and non-polar, at codon 633 of the CTNNA3 protein (p.Leu633Pro). This variant is present in population databases (rs775582644, gnomAD 0.0009%). This variant has not been reported in the literature in individuals affected with CTNNA3-related conditions. Invitae Evidence Modeling of protein sequence and biophysical properties (such as structural, functional, and spatial information, amino acid conservation, physicochemical variation, residue mobility, and thermodynamic stability) indicates that this missense variant is not expected to disrupt CTNNA3 protein function with a negative predictive value of 80%. In summary, the available evidence is currently insufficient to determine the role of this variant in disease. Therefore, it has been classified as a Variant of Uncertain Significance.